The following is an entry in ClinVar:

NM_004376.5(COX15):c.-597A>C

Genes: COX15 (cytochrome c oxidase assembly factor COX15; minus strand), CUTC (cutC copper transporter; plus strand). Cytogenetic location: 10q24.2.
Variant type: single nucleotide variant.
Coding change: c.-597A>C on transcript NM_004376.5; 597 bases upstream of the start codon, A replaced by C.
Molecular consequence: intron variant (on NM_015960.3).
Genome position (GRCh38, 1-based): chr10:99,732,646, T>G on the plus strand (A>C on the coding strand, the complement: COX15 is on the minus strand). VCF-style: chr10-99732646-T-G. GRCh37 (hg19) VCF-style: chr10-101492403-T-G.
Other names: c.-597A>C (NM_078470.4); c.61+237T>G (NM_015960.3).
Identifiers: ClinVar variation 298434 (VCV000298434.11), dbSNP rs2281636, ClinGen allele CA10633114.
Genomic context (GRCh38, chr10:99,732,646, plus strand): 5'-GGGCAGGTAGCGAGAATGGCTCAGCTGTGGAGCCAAGGTTCGAGTCCCGGGGTCCCCTCA[T>G]AACGGCCCTGCGACCTTGTGCAAGTTGGTTAACTTCAGCTTCACGTTTTTTCCGTCGCCA-3'

ClinVar aggregate classification (germline): Benign. Review status: criteria provided, multiple submitters, no conflicts (2 of 4 stars). 3 submissions from 3 submitters: Benign (3). Last evaluated 2018-06-23.

Conditions:
Leigh syndrome (NULS). Also called: Leigh's necrotizing encephalopathy; Leigh's disease; Leigh's syndrome; Leigh Syndrome (mtDNA deletion); Leigh Disease; LEIGH SYNDROME, NUCLEAR. Identifiers: Orphanet 506, MedGen C2931891, MONDO:0009723, OMIM 256000.

Allele frequency attached by ClinVar (database versions not stated): gnomAD exomes 0.58456; 1000 Genomes Project 30x 0.54716; TOPMed 0.54962; gnomAD 0.55053 and 0.54611; 1000 Genomes Project 0.54014.

Submissions (3):

GeneDx
Classification: Benign. Last evaluated: 2018-06-23. Review status: criteria provided, single submitter. Criteria: GeneDx Variant Classification Process June 2021. Collection method: clinical testing. Allele origin: germline. Affected: yes.

Illumina Laboratory Services, Illumina
Classification: Benign for Leigh syndrome. Last evaluated: 2018-01-13. Review status: criteria provided, single submitter. Criteria: ICSL Variant Classification Criteria 13 December 2019. Collection method: clinical testing. Allele origin: germline.
Comment: This variant was observed in the ICSL laboratory as part of a predisposition screen in an ostensibly healthy population. It had not been previously curated by ICSL or reported in the Human Gene Mutation Database (HGMD: prior to June 1st, 2018), and was therefore a candidate for classification through an automated scoring system. Utilizing variant allele frequency, disease prevalence and penetrance estimates, and inheritance mode, an automated score was calculated to assess if this variant is too frequent to cause the disease. Based on the score and internal cut-off values, a variant classified as benign is not then subjected to further curation. The score for this variant resulted in a classification of benign for this disease.

Breakthrough Genomics
Classification: Benign. Review status: criteria provided, single submitter. Criteria: ACMG Guidelines, 2015. Collection method: not provided. Allele origin: germline. Inheritance: Unknown mechanism. Affected: yes.